The following is an entry in ClinVar:

ClinVar aggregate classification (germline): Uncertain significance. Review status: criteria provided, multiple submitters, no conflicts (2 of 4 stars). 2 submissions from 2 submitters: Uncertain significance (2). Last evaluated 2025-02-24.

Conditions:
Cranioectodermal dysplasia 1 (CED1). Also called: LEVIN SYNDROME I. Identifiers: Orphanet 1515, MedGen C0432235, MONDO:0021093, OMIM 218330.

Allele frequency attached by ClinVar (database versions not stated): gnomAD exomes 0.00002 and 0.00003; ExAC 0.00003; TOPMed 0.00004; gnomAD 0.00006.
gnomAD v4.1: 44 of 1,541,686 alleles (0.0029%); highest among the groups gnomAD compares: South Asian, 0.009%; no homozygotes.

Submissions (2):

Labcorp Genetics (formerly Invitae), Labcorp
Classification: Uncertain significance for Cranioectodermal dysplasia 1. Last evaluated: 2025-02-24. Review status: criteria provided, single submitter. Criteria: Invitae Variant Classification Sherloc (09022015). Collection method: clinical testing. Allele origin: germline.
Comment: This sequence change replaces arginine, which is basic and polar, with cysteine, which is neutral and slightly polar, at codon 1129 of the IFT122 protein (p.Arg1129Cys). This variant is present in population databases (rs771499492, gnomAD 0.01%). This missense change has been observed in individual(s) with clinical features of IFT122-related conditions (PMID: 29037998, 38318288). ClinVar contains an entry for this variant (Variation ID: 631906). Invitae Evidence Modeling of protein sequence and biophysical properties (such as structural, functional, and spatial information, amino acid conservation, physicochemical variation, residue mobility, and thermodynamic stability) indicates that this missense variant is not expected to disrupt IFT122 protein function with a negative predictive value of 80%. In summary, the available evidence is currently insufficient to determine the role of this variant in disease. Therefore, it has been classified as a Variant of Uncertain Significance.

Fulgent Genetics
Classification: Uncertain significance for Cranioectodermal dysplasia 1. Last evaluated: 2024-04-13. Review status: criteria provided, single submitter. Criteria: ACMG Guidelines, 2015. Collection method: clinical testing. Allele origin: germline.

Literature cited by the submitters: PubMed 29037998 (cited by Labcorp Genetics (formerly Invitae), Labcorp); PubMed 38318288 (cited by Labcorp Genetics (formerly Invitae), Labcorp).

NM_052989.3(IFT122):c.3232C>T (p.Arg1078Cys)

Gene: IFT122 (intraflagellar transport 122; plus strand). Cytogenetic location: 3q22.1.
Variant type: single nucleotide variant.
Coding change: c.3232C>T on transcript NM_052989.3 (MANE Select); coding-DNA position 3232, C replaced by T.
Protein change: p.Arg1078Cys; replaces arginine 1078 with cysteine.
Molecular consequence: missense variant.
Genome position (GRCh38, 1-based): chr3:129,515,566, C>T. VCF-style: chr3-129515566-C-T. GRCh37 (hg19) VCF-style: chr3-129234409-C-T.
Other names: c.3211C>T, p.Arg1071Cys (NM_001280541.2); c.2782C>T, p.Arg928Cys (NM_001280545.2); c.2605C>T, p.Arg869Cys (NM_001280546.2); c.3055C>T, p.Arg1019Cys (NM_018262.4); c.3385C>T, p.Arg1129Cys (NM_052985.4); c.2902C>T, p.Arg968Cys (NM_052990.3); short protein forms R1129C, R1071C, R1078C, R968C, R1019C, R869C, R928C.
Identifiers: ClinVar variation 631906 (VCV000631906.8), dbSNP rs771499492, ClinGen allele CA2606840.